The following is an entry in ClinVar:

NM_177438.3(DICER1):c.2805-2A>G

Gene: DICER1 (dicer 1, ribonuclease III; minus strand). Cytogenetic location: 14q32.13.
Variant type: single nucleotide variant.
Coding change: c.2805-2A>G on transcript NM_177438.3 (MANE Select); the canonical splice acceptor site of the intron before coding-DNA position 2805, A replaced by G.
Molecular consequence: splice acceptor variant.
Genome position (GRCh38, 1-based): chr14:95,106,225, T>C on the plus strand (A>G on the coding strand, the complement: DICER1 is on the minus strand). VCF-style: chr14-95106225-T-C. GRCh37 (hg19) VCF-style: chr14-95572562-T-C.
Other names: c.2805-2A>G (NM_001291628.2, NM_030621.4, NM_001395677.1 and 12 more transcripts); c.2400-2A>G (NM_001395690.1, NM_001395687.1, NM_001395689.1 and 2 more transcripts); c.2523-2A>G (NM_001395686.1); c.2238-2A>G (NM_001395691.1); c.1122-2A>G (NM_001395697.1).
Identifiers: ClinVar variation 4856729 (VCV004856729.1).

ClinVar aggregate classification (germline): Likely pathogenic (1 of 4 stars; one submission).

Conditions:
DICER1-related tumor predisposition. Also called: DICER1-related pleuropulmonary blastoma cancer predisposition syndrome; DICER1 syndrome. Identifiers: Orphanet 284343, MedGen C3839822, MONDO:0100216.

Submission:

Myriad Genetics, Inc.
Classification: Likely pathogenic for DICER1-related tumor predisposition. Last evaluated: 2026-01-30. Review status: criteria provided, single submitter. Criteria: Myriad Autosomal Dominant, Autosomal Recessive and X-Linked Classification Criteria (2023). Collection method: clinical testing. Allele origin: unknown.
Comment: This variant is considered likely pathogenic. This variant occurs within a consensus splice junction and is predicted to result in abnormal mRNA splicing of either an out-of-frame exon or an in-frame exon necessary for protein stability and/or normal function.